The following is an entry in ClinVar:

NM_002968.3(SALL1):c.1234A>G (p.Thr412Ala)

Gene: SALL1 (spalt like transcription factor 1; minus strand). Cytogenetic location: 16q12.1.
Variant type: single nucleotide variant.
Coding change: c.1234A>G on transcript NM_002968.3 (MANE Select); coding-DNA position 1234, A replaced by G.
Protein change: p.Thr412Ala; replaces threonine 412 with alanine.
Molecular consequence: missense variant.
Genome position (GRCh38, 1-based): chr16:51,140,988, T>C on the plus strand (A>G on the coding strand, the complement: SALL1 is on the minus strand). VCF-style: chr16-51140988-T-C. GRCh37 (hg19) VCF-style: chr16-51174899-T-C.
Other names: c.943A>G, p.Thr315Ala (NM_001127892.2); short protein forms T412A, T315A.
Identifiers: ClinVar variation 2805918 (VCV002805918.3), dbSNP rs2143447009, ClinGen allele CA395889120.

ClinVar aggregate classification (germline): Uncertain significance (1 of 4 stars; one submission).

Conditions:
Townes syndrome (TBS). Also called: Townes-Brocks syndrome. Identifiers: Orphanet 857, MedGen C0265246, MeSH C536974, MONDO:0007142.

Submission:

Labcorp Genetics (formerly Invitae), Labcorp
Classification: Uncertain significance for Townes syndrome. Last evaluated: 2023-06-21. Review status: criteria provided, single submitter. Criteria: Invitae Variant Classification Sherloc (09022015). Collection method: clinical testing. Allele origin: germline.
Comment: Advanced modeling of protein sequence and biophysical properties (such as structural, functional, and spatial information, amino acid conservation, physicochemical variation, residue mobility, and thermodynamic stability) performed at Invitae indicates that this missense variant is not expected to disrupt SALL1 protein function. In summary, the available evidence is currently insufficient to determine the role of this variant in disease. Therefore, it has been classified as a Variant of Uncertain Significance. This variant has not been reported in the literature in individuals affected with SALL1-related conditions. This sequence change replaces threonine, which is neutral and polar, with alanine, which is neutral and non-polar, at codon 412 of the SALL1 protein (p.Thr412Ala). This variant is not present in population databases (gnomAD no frequency).